The following is an entry in ClinVar:

NM_014780.5(CUL7):c.3397C>T (p.Arg1133Trp)

Gene: CUL7 (cullin 7; minus strand). Cytogenetic location: 6p21.1.
Variant type: single nucleotide variant.
Coding change: c.3397C>T on transcript NM_014780.5 (MANE Select); coding-DNA position 3397, C replaced by T.
Protein change: p.Arg1133Trp; replaces arginine 1133 with tryptophan.
Molecular consequence: missense variant.
Genome position (GRCh38, 1-based): chr6:43,043,139, G>A on the plus strand (C>T on the coding strand, the complement: CUL7 is on the minus strand). VCF-style: chr6-43043139-G-A. GRCh37 (hg19) VCF-style: chr6-43010877-G-A.
Other names: c.3493C>T, p.Arg1165Trp (NM_001168370.2, NM_001374872.1); c.3397C>T, p.Arg1133Trp (NM_001374873.1); c.3394C>T, p.Arg1132Trp (NM_001374874.1); short protein forms R1165W, R1133W, R1132W.
Identifiers: ClinVar variation 2188758 (VCV002188758.29), dbSNP rs1166711922, ClinGen allele CA364203549.
Genomic context (GRCh38, chr6:43,043,139, plus strand): 5'-TCTCCACCACGGCCCGCCAACAGCGCGTCAGGTTTCTCATGATGCTGCTTGGAAGGCCCC[G>A]GGTAGCCAAGGAGCTCCAGTCGTGGCTTCTGTTTCTGCCTTCTGTAGAGACCAAGAAAGT-3'
Protein context (NP_055595.2, residues 1123-1143): RSHDWSSLAT[Arg1133Trp]GLPSSIMRNL

ClinVar aggregate classification (germline): Uncertain significance. Review status: criteria provided, multiple submitters, no conflicts (2 of 4 stars). 3 submissions from 3 submitters: Uncertain significance (3). Last evaluated 2023-06-09.

Allele frequency attached by ClinVar (database versions not stated): gnomAD 0.00001; TOPMed 0.00001.
gnomAD v4.1: 7 of 1,613,914 alleles (0.00043%); highest among the groups gnomAD compares: African/African-American, 0.0027%; no homozygotes.

Submissions (3):

Blueprint Genetics
Classification: Uncertain significance. Last evaluated: 2023-06-09. Review status: criteria provided, single submitter. Criteria: ACMG Guidelines, 2015. Collection method: clinical testing. Allele origin: germline.

Labcorp Genetics (formerly Invitae), Labcorp
Classification: Uncertain significance. Last evaluated: 2022-06-14. Review status: criteria provided, single submitter. Criteria: Invitae Variant Classification Sherloc (09022015). Collection method: clinical testing. Allele origin: germline.
Comment: In summary, the available evidence is currently insufficient to determine the role of this variant in disease. Therefore, it has been classified as a Variant of Uncertain Significance. Algorithms developed to predict the effect of missense changes on protein structure and function are either unavailable or do not agree on the potential impact of this missense change (SIFT: "Deleterious"; PolyPhen-2: "Benign"; Align-GVGD: "Class C0"). This variant has not been reported in the literature in individuals affected with CUL7-related conditions. The frequency data for this variant in the population databases is considered unreliable, as metrics indicate poor data quality at this position in the gnomAD database. This sequence change replaces arginine, which is basic and polar, with tryptophan, which is neutral and slightly polar, at codon 1133 of the CUL7 protein (p.Arg1133Trp).

CeGaT Center for Human Genetics Tuebingen
Classification: Uncertain significance. Last evaluated: 2022-05-01. Review status: criteria provided, single submitter. Criteria: CeGaT Center For Human Genetics Tuebingen Variant Classification Criteria Version 2. Collection method: clinical testing. Allele origin: germline. Affected: yes. Observed: 1 variant allele.